The following is an entry in ClinVar:

NM_005984.5(SLC25A1):c.180C>A (p.His60Gln)

Gene: SLC25A1 (solute carrier family 25 member 1; minus strand). Cytogenetic location: 22q11.21.
Variant type: single nucleotide variant.
Coding change: c.180C>A on transcript NM_005984.5 (MANE Select); coding-DNA position 180, C replaced by A.
Protein change: p.His60Gln; replaces histidine 60 with glutamine.
Molecular consequence: missense variant. On other transcripts: 5 prime UTR variant (1), non-coding transcript variant (1).
Genome position (GRCh38, 1-based): chr22:19,178,155, G>T on the plus strand (C>A on the coding strand, the complement: SLC25A1 is on the minus strand). VCF-style: chr22-19178155-G-T. GRCh37 (hg19) VCF-style: chr22-19165668-G-T.
Other names: c.201C>A, p.His67Gln (NM_001256534.2); c.-130C>A (NM_001287387.2); short protein forms H60Q, H67Q.
Identifiers: ClinVar variation 1403715 (VCV001403715.5), dbSNP rs782598183, ClinGen allele CA10097522.

ClinVar aggregate classification (germline): Uncertain significance (1 of 4 stars; one submission).

Allele frequency attached by ClinVar (database versions not stated): TOPMed 0.00001; gnomAD exomes 0.00003.
gnomAD v4.1: 6 of 1,547,364 alleles (0.00039%); highest among the groups gnomAD compares: Admixed American, 0.012%; no homozygotes.

Submission:

Labcorp Genetics (formerly Invitae), Labcorp
Classification: Uncertain significance. Last evaluated: 2021-08-13. Review status: criteria provided, single submitter. Criteria: Invitae Variant Classification Sherloc (09022015). Collection method: clinical testing. Allele origin: germline.
Comment: This sequence change replaces histidine with glutamine at codon 60 of the SLC25A1 protein (p.His60Gln). The histidine residue is weakly conserved and there is a small physicochemical difference between histidine and glutamine. The frequency data for this variant in the population databases is considered unreliable, as metrics indicate poor data quality at this position in the ExAC database. This variant has not been reported in the literature in individuals affected with SLC25A1-related conditions. Algorithms developed to predict the effect of missense changes on protein structure and function (SIFT, PolyPhen-2, Align-GVGD) all suggest that this variant is likely to be tolerated. In summary, the available evidence is currently insufficient to determine the role of this variant in disease. Therefore, it has been classified as a Variant of Uncertain Significance.